The following is an entry in ClinVar:

ClinVar aggregate classification (germline): Uncertain significance. Review status: criteria provided, multiple submitters, no conflicts (2 of 4 stars). 6 submissions from 6 submitters: Uncertain significance (6). Last evaluated 2026-09-25.

Conditions:
MYO3A-related disorder. Also called: MYO3A-related condition.
Autosomal recessive nonsyndromic hearing loss 30. Identifiers: Orphanet 90636, MedGen C1846784, MONDO:0011774, OMIM 607101.

Allele frequency attached by ClinVar (database versions not stated): gnomAD exomes 0.00016 and 0.00019; gnomAD 0.00019 and 0.00022; ExAC 0.00020; TOPMed 0.00020; ESP Exome Variant Server 0.00062.
gnomAD v4.1: 312 of 1,613,834 alleles (0.019%); highest among the groups gnomAD compares: Non-Finnish European, 0.024%; no homozygotes.

Submissions (6):

PreventionGenetics, part of Exact Sciences
Classification: Uncertain significance for MYO3A-related condition. Last evaluated: 2026-09-25. Review status: criteria provided, single submitter. Criteria: ACMG Guidelines, 2015. Collection method: clinical testing. Allele origin: germline.
Comment: The MYO3A c.4840C>T variant is predicted to result in premature protein termination (p.Gln1614*). To our knowledge, this variant has not been reported in the literature. This variant is reported in 0.034% of alleles in individuals of European (Non-Finnish) descent in gnomAD. At this time, the clinical significance of this variant is uncertain due to the absence of conclusive functional and genetic evidence.

Labcorp Genetics (formerly Invitae), Labcorp
Classification: Uncertain significance. Last evaluated: 2025-10-21. Review status: criteria provided, single submitter. Criteria: Invitae Variant Classification Sherloc (09022015). Collection method: clinical testing. Allele origin: germline.
Comment: This sequence change creates a premature translational stop signal (p.Gln1614*) in the MYO3A gene. While this is not anticipated to result in nonsense mediated decay, it is expected to disrupt the last 3 amino acid(s) of the MYO3A protein. This variant is present in population databases (rs146106052, gnomAD 0.04%). This variant has not been reported in the literature in individuals affected with MYO3A-related conditions. ClinVar contains an entry for this variant (Variation ID: 228985). In summary, the available evidence is currently insufficient to determine the role of this variant in disease. Therefore, it has been classified as a Variant of Uncertain Significance.

GeneDx
Classification: Uncertain significance. Last evaluated: 2025-10-15. Review status: criteria provided, single submitter. Criteria: GeneDx Variant Classification Process June 2021. Collection method: clinical testing. Allele origin: germline. Affected: yes.
Comment: Has not been previously published as pathogenic or benign to our knowledge; Nonsense variant predicted to result in protein truncation as the last 3 amino acids are lost

Blueprint Genetics
Classification: Uncertain significance. Last evaluated: 2024-11-11. Review status: criteria provided, single submitter. Criteria: ACMG Guidelines, 2015. Collection method: clinical testing. Allele origin: germline.

Fulgent Genetics
Classification: Uncertain significance for Autosomal recessive nonsyndromic hearing loss 30. Last evaluated: 2021-09-07. Review status: criteria provided, single submitter. Criteria: ACMG Guidelines, 2015. Collection method: clinical testing. Allele origin: unknown.

Laboratory for Molecular Medicine, Mass General Brigham Personalized Medicine
Classification: Uncertain significance. Last evaluated: 2015-06-23. Review status: criteria provided, single submitter. Criteria: LMM Criteria. Collection method: clinical testing. Allele origin: germline. Observed: 1 variant allele.
Comment: The p.Gln1614X variant in MYO3A has not been previously reported in individuals with hearing loss, but has been identified in 0.04% (23/62360) European chromoso mes by the Exome Aggregation Consortium (ExAC; d bSNP rs146106052). Although this variant has been seen in the general population , its frequency is not high enough to rule out a pathogenic role. This nonsense variant leads to a premature termination codon at position 1614, located 3 codon s upstream of the nascent termination codon. Thus, the variant is predicted to l ead to a slightly truncated protein, missing the last 3 amino acids of the norma l protein. However, it is not clear whether this truncation will have a deleteri ous impact on the protein's structure or function. In summary, the clinical sign ificance of the p.Gln1614X variant is uncertain.

NM_017433.5(MYO3A):c.4840C>T (p.Gln1614Ter)

Gene: MYO3A (myosin IIIA; plus strand). Cytogenetic location: 10p12.1.
Variant type: single nucleotide variant.
Coding change: c.4840C>T on transcript NM_017433.5 (MANE Select); coding-DNA position 4840, C replaced by T.
Protein change: p.Gln1614Ter; replaces glutamine 1614 with a stop codon.
Molecular consequence: nonsense.
Genome position (GRCh38, 1-based): chr10:26,211,952, C>T. VCF-style: chr10-26211952-C-T. GRCh37 (hg19) VCF-style: chr10-26500881-C-T.
Other names: short protein forms Q1614*.
Identifiers: ClinVar variation 228985 (VCV000228985.16), dbSNP rs146106052, ClinGen allele CA5445596.